The following is an entry in ClinVar:

ClinVar aggregate classification (germline): Uncertain significance. Review status: criteria provided, multiple submitters, no conflicts (2 of 4 stars). 2 submissions from 2 submitters: Uncertain significance (2). Last evaluated 2023-06-19.

Conditions:
Inborn genetic diseases. Identifiers: MedGen C0950123, MeSH D030342.
Hereditary sensory and autonomic neuropathy type 1 (HSAN1). Also called: HSAN 1; HSN Type I; Hereditary Sensory Neuropathy Type I. Identifiers: Orphanet 36386, MedGen C0020071, MONDO:0018213.

Allele frequency attached by ClinVar (database versions not stated): gnomAD exomes 0.00001.

Submissions (2):

Labcorp Genetics (formerly Invitae), Labcorp
Classification: Uncertain significance for Hereditary sensory and autonomic neuropathy type 1. Last evaluated: 2023-06-19. Review status: criteria provided, single submitter. Criteria: Invitae Variant Classification Sherloc (09022015). Collection method: clinical testing. Allele origin: germline.
Comment: This sequence change replaces tyrosine, which is neutral and polar, with cysteine, which is neutral and slightly polar, at codon 248 of the SPTLC1 protein (p.Tyr248Cys). This variant is present in population databases (rs757597274, gnomAD 0.0009%). In summary, the available evidence is currently insufficient to determine the role of this variant in disease. Therefore, it has been classified as a Variant of Uncertain Significance. Advanced modeling of protein sequence and biophysical properties (such as structural, functional, and spatial information, amino acid conservation, physicochemical variation, residue mobility, and thermodynamic stability) performed at Invitae indicates that this missense variant is expected to disrupt SPTLC1 protein function. ClinVar contains an entry for this variant (Variation ID: 1758915). This variant has not been reported in the literature in individuals affected with SPTLC1-related conditions.

Ambry Genetics
Classification: Uncertain significance for Inborn genetic diseases. Last evaluated: 2020-05-19. Review status: criteria provided, single submitter. Criteria: Ambry Variant Classification Scheme 2023. Collection method: clinical testing. Allele origin: germline.
Comment: The p.Y248C variant (also known as c.743A>G), located in coding exon 8 of the SPTLC1 gene, results from an A to G substitution at nucleotide position 743. The tyrosine at codon 248 is replaced by cysteine, an amino acid with highly dissimilar properties. This amino acid position is highly conserved in available vertebrate species. In addition, this alteration is predicted to be deleterious by in silico analysis. Since supporting evidence is limited at this time, the clinical significance of this alteration remains unclear.

NM_006415.4(SPTLC1):c.743A>G (p.Tyr248Cys)

Gene: SPTLC1 (serine palmitoyltransferase long chain base subunit 1; minus strand). Cytogenetic location: 9q22.31.
Variant type: single nucleotide variant.
Coding change: c.743A>G on transcript NM_006415.4 (MANE Select); coding-DNA position 743, A replaced by G.
Protein change: p.Tyr248Cys; replaces tyrosine 248 with cysteine.
Molecular consequence: missense variant.
Genome position (GRCh38, 1-based): chr9:92,055,442, T>C on the plus strand (A>G on the coding strand, the complement: SPTLC1 is on the minus strand). VCF-style: chr9-92055442-T-C. GRCh37 (hg19) VCF-style: chr9-94817724-T-C.
Other names: c.743A>G, p.Tyr248Cys (NM_001281303.2); c.377A>G, p.Tyr126Cys (NM_001368272.1); c.278A>G, p.Tyr93Cys (NM_001368273.1); short protein forms Y248C, Y126C, Y93C.
Identifiers: ClinVar variation 1758915 (VCV001758915.5), dbSNP rs757597274, ClinGen allele CA195392782.